The following is an entry in ClinVar:

NM_004991.4(MECOM):c.3662A>T (p.His1221Leu)

Gene: MECOM (MDS1 and EVI1 complex locus; minus strand). Cytogenetic location: 3q26.2.
Variant type: single nucleotide variant.
Coding change: c.3662A>T on transcript NM_004991.4 (MANE Select); coding-DNA position 3662, A replaced by T.
Protein change: p.His1221Leu; replaces histidine 1221 with leucine.
Molecular consequence: missense variant.
Genome position (GRCh38, 1-based): chr3:169,084,967, T>A on the plus strand (A>T on the coding strand, the complement: MECOM is on the minus strand). VCF-style: chr3-169084967-T-A. GRCh37 (hg19) VCF-style: chr3-168802755-T-A.
Other names: c.2099A>T, p.His700Leu (NM_001366474.2); c.3098A>T, p.His1033Leu (NM_005241.4, NM_001105078.4, NM_001205194.2 and 1 more transcripts); c.3293A>T, p.His1098Leu (NM_001105077.4); c.3074A>T, p.His1025Leu (NM_001163999.2, NM_001366470.2); c.3071A>T, p.His1024Leu (NM_001164000.2, NM_001366471.2, NM_001366472.2); c.3635A>T, p.His1212Leu (NM_001366466.2); c.3101A>T, p.His1034Leu (NM_001366467.2, NM_001366468.2); c.2663A>T, p.His888Leu (NM_001366473.2); and 1 more; short protein forms H1034L, H1212L, H1025L, H888L, H1098L, H1221L, H700L, H1024L.
Identifiers: ClinVar variation 2792983 (VCV002792983.4), dbSNP rs2549110432, ClinGen allele CA355064067.

ClinVar aggregate classification (germline): Uncertain significance. Review status: criteria provided, multiple submitters, no conflicts (2 of 4 stars). 2 submissions from 2 submitters: Uncertain significance (2). Last evaluated 2024-12-17.

Conditions:
Inborn genetic diseases. Identifiers: MedGen C0950123, MeSH D030342.

Submissions (2):

Ambry Genetics
Classification: Uncertain significance for Inborn genetic diseases. Last evaluated: 2024-12-17. Review status: criteria provided, single submitter. Criteria: Ambry Variant Classification Scheme 2023. Collection method: clinical testing. Allele origin: germline.
Comment: The p.H1221L variant (also known as c.3662A>T), located in coding exon 17 of the MECOM gene, results from an A to T substitution at nucleotide position 3662. The histidine at codon 1221 is replaced by leucine, an amino acid with similar properties. This amino acid position is conserved. In addition, the in silico prediction for this alteration is inconclusive. Based on the available evidence, the clinical significance of this variant remains unclear.

Labcorp Genetics (formerly Invitae), Labcorp
Classification: Uncertain significance. Last evaluated: 2023-02-11. Review status: criteria provided, single submitter. Criteria: Invitae Variant Classification Sherloc (09022015). Collection method: clinical testing. Allele origin: germline.
Comment: This variant has not been reported in the literature in individuals affected with MECOM-related conditions. This sequence change replaces histidine, which is basic and polar, with leucine, which is neutral and non-polar, at codon 1033 of the MECOM protein (p.His1033Leu). This variant is not present in population databases (gnomAD no frequency). Algorithms developed to predict the effect of missense changes on protein structure and function are either unavailable or do not agree on the potential impact of this missense change (SIFT: "Tolerated"; PolyPhen-2: "Not Available"; Align-GVGD: "Class C0"). In summary, the available evidence is currently insufficient to determine the role of this variant in disease. Therefore, it has been classified as a Variant of Uncertain Significance.